The following is an entry in ClinVar:

ClinVar aggregate classification (germline): Likely pathogenic (1 of 4 stars; one submission).

Conditions:
Intellectual developmental disorder with autism and speech delay. Also called: Autism, susceptibility to, 5; Autism 5; AUTISM-RELATED SPEECH DELAY; PHRASE SPEECH DELAY, AUTISM-RELATED; AUTS5. Identifiers: MedGen C1853755, MONDO:0011627, OMIM 606053.

Submission:

3billion
Classification: Likely pathogenic for Intellectual developmental disorder with autism and speech delay. Last evaluated: 2025-11-06. Review status: criteria provided, single submitter. Criteria: ACMG Guidelines, 2015. Collection method: clinical testing. Allele origin: germline. Affected: yes.
Comment: The variant is not observed in the gnomAD v4.1.0 dataset. Predicted Consequence/Location: Stop-gained (nonsense): predicted to result in a loss or disruption of normal protein function through nonsense-mediated decay (NMD) or protein truncation. Multiple pathogenic variants are reported downstream of the variant. Therefore, this variant is classified as Likely pathogenic according to the recommendation of ACMG/AMP guideline.

NM_006593.4(TBR1):c.499C>T (p.Gln167Ter)

Gene: TBR1 (T-box brain transcription factor 1; plus strand). Cytogenetic location: 2q24.2.
Variant type: single nucleotide variant.
Coding change: c.499C>T on transcript NM_006593.4 (MANE Select); coding-DNA position 499, C replaced by T.
Protein change: p.Gln167Ter; replaces glutamine 167 with a stop codon.
Molecular consequence: nonsense.
Genome position (GRCh38, 1-based): chr2:161,416,909, C>T. VCF-style: chr2-161416909-C-T. GRCh37 (hg19) VCF-style: chr2-162273420-C-T.
Other names: short protein forms Q167*.
Identifiers: ClinVar variation 4854329 (VCV004854329.1).
Genomic context (GRCh38, chr2:161,416,909, plus strand): 5'-GCCCACCACCCGGTCATCACCAACGGAGCCTACAACAGCCTCCTGTCCAACTCCTCGCCG[C>T]AGGGATACCCCACGGCCGGCTACCCCTACCCACAGCAGTACGGCCACTCCTACCAAGGAG-3'